The following is an entry in ClinVar:

ClinVar aggregate classification (germline): Likely benign. Review status: criteria provided, multiple submitters, no conflicts (2 of 4 stars). 3 submissions from 3 submitters: Likely benign (3). Last evaluated 2024-09-06.

Conditions:
Desmin-related myofibrillar myopathy (MFM1). Also called: MYOFIBRILLAR MYOPATHY WITH ARRHYTHMOGENIC RIGHT VENTRICULAR CARDIOMYOPATHY; DESMIN-RELATED MYOPATHY WITH ARRHYTHMOGENIC RIGHT VENTRICULAR CARDIOMYOPATHY; Myofibrillar myopathy 1; Desminopathy; Desmin related myopathy (former name); Desmin storage myopathy (former name). Identifiers: Orphanet 363543, Orphanet 98909, MedGen C1832370, MONDO:0011076, OMIM 601419.

Allele frequency attached by ClinVar (database versions not stated): TOPMed 0.00001.
gnomAD v4.1: 22 of 1,611,678 alleles (0.0014%); highest among the groups gnomAD compares: Non-Finnish European, 0.0018%; no homozygotes.

Submissions (3):

Labcorp Genetics (formerly Invitae), Labcorp
Classification: Likely benign for Desmin-related myofibrillar myopathy. Last evaluated: 2024-09-06. Review status: criteria provided, single submitter. Criteria: Invitae Variant Classification Sherloc (09022015). Collection method: clinical testing. Allele origin: germline.

Blueprint Genetics
Classification: Likely benign. Last evaluated: 2023-05-18. Review status: criteria provided, single submitter. Criteria: ACMG Guidelines, 2015. Collection method: clinical testing. Allele origin: germline.

GeneDx
Classification: Likely benign. Last evaluated: 2016-01-06. Review status: criteria provided, single submitter. Criteria: GeneDx Variant Classification (06012015). Collection method: clinical testing. Allele origin: germline. Affected: yes.
Comment: This variant is considered likely benign or benign based on one or more of the following criteria: it is a conservative change, it occurs at a poorly conserved position in the protein, it is predicted to be benign by multiple in silico algorithms, and/or has population frequency not consistent with disease.

NM_001927.4(DES):c.1244+17G>C

Gene: DES (desmin; plus strand). Cytogenetic location: 2q35.
Variant type: single nucleotide variant.
Coding change: c.1244+17G>C on transcript NM_001927.4 (MANE Select); 17 bases into the intron after coding-DNA position 1244, G replaced by C.
Molecular consequence: intron variant.
Genome position (GRCh38, 1-based): chr2:219,421,577, G>C. VCF-style: chr2-219421577-G-C. GRCh37 (hg19) VCF-style: chr2-220286299-G-C.
Other names: c.1244+17G>C (LRG_380t1).
Identifiers: ClinVar variation 382822 (VCV000382822.7), dbSNP rs750992468, ClinGen allele CA2125261.